The following is an entry in ClinVar:

NM_014727.3(KMT2B):c.5006C>T (p.Ala1669Val)

Gene: KMT2B (lysine methyltransferase 2B; plus strand). Cytogenetic location: 19q13.12.
Variant type: single nucleotide variant.
Coding change: c.5006C>T on transcript NM_014727.3 (MANE Select); coding-DNA position 5006, C replaced by T.
Protein change: p.Ala1669Val; replaces alanine 1669 with valine.
Molecular consequence: missense variant.
Genome position (GRCh38, 1-based): chr19:35,730,055, C>T. VCF-style: chr19-35730055-C-T. GRCh37 (hg19) VCF-style: chr19-36220956-C-T.
Other names: short protein forms A1669V.
Identifiers: ClinVar variation 1031844 (VCV001031844.1), dbSNP rs1192553029, ClinGen allele CA405419055.

ClinVar aggregate classification (germline): Uncertain significance (1 of 4 stars; one submission).

Conditions:
Dystonia 28, childhood-onset (DYT28). Also called: KMT2B-Related Dystonia (DYT-KMT2B). Identifiers: Orphanet 589618, MedGen C4310633, MONDO:0015004, OMIM 617284.

Allele frequency attached by ClinVar (database versions not stated): gnomAD exomes below 0.00001; gnomAD 0.00001 and 0.00002; TOPMed 0.00001.

Submission:

Baylor Genetics
Classification: Uncertain significance for Dystonia 28, childhood-onset. Last evaluated: 2018-11-26. Review status: criteria provided, single submitter. Criteria: ACMG Guidelines, 2015. Collection method: clinical testing. Allele origin: maternal. Affected: yes.
Comment: This variant was determined to be of uncertain significance according to ACMG Guidelines, 2015 [PMID:25741868].